The following is an entry in ClinVar:

NM_001385012.1(NBEA):c.102T>C (p.Gly34=)

Gene: NBEA (neurobeachin; plus strand). Cytogenetic location: 13q13.3.
Variant type: single nucleotide variant.
Coding change: c.102T>C on transcript NM_001385012.1 (MANE Select); coding-DNA position 102, T replaced by C.
Protein change: p.Gly34=; no amino-acid change (glycine 34 retained).
Molecular consequence: synonymous variant.
Genome position (GRCh38, 1-based): chr13:34,942,922, T>C. VCF-style: chr13-34942922-T-C. GRCh37 (hg19) VCF-style: chr13-35517059-T-C.
Other names: p.Gly34=; c.102T>C, p.Gly34= (NM_001379245.1, NM_015678.5).
Identifiers: ClinVar variation 4683790 (VCV004683790.2).
Genomic context (GRCh38, chr13:34,942,922, plus strand): 5'-TCAGCCCGTGGGGCTCATTGCCGTCGGGGCCGCTGGCGGAGGCGGCGGGGGCAGCGGTGG[T>C]GGCGGCACCGGGGGCAGCGGGATGGGGGAGCTAAGGGGGGCGTCCGGCTCCGGCTCGGTG-3'
Protein context (NP_001371941.1, residues 24-44): AAGGGGGGSG[Gly34=]GGTGGSGMGE

ClinVar aggregate classification (germline): Likely benign. Review status: criteria provided, multiple submitters, no conflicts (2 of 4 stars). 2 submissions from 2 submitters: Likely benign (2). Last evaluated 2025-09-25.

gnomAD v4.1: 46 of 1,502,304 alleles (0.0031%); highest among the groups gnomAD compares: African/African-American, 0.0061%; no homozygotes.

Submissions (2):

Mayo Clinic Laboratories, Mayo Clinic
Classification: Likely benign. Last evaluated: 2025-09-25. Review status: criteria provided, single submitter. Criteria: ACMG Guidelines, 2015. Collection method: clinical testing. Allele origin: germline. Observed: 1 variant allele.
Comment: BP4, BP7

Blueprint Genetics
Classification: Likely benign. Last evaluated: 2022-04-26. Review status: criteria provided, single submitter. Criteria: ACMG Guidelines, 2015. Collection method: clinical testing. Allele origin: germline.